The following is an entry in ClinVar:

NM_007294.4(BRCA1):c.29A>C (p.Glu10Ala)

Gene: BRCA1 (BRCA1 DNA repair associated; minus strand). Cytogenetic location: 17q21.31.
Variant type: single nucleotide variant.
Coding change: c.29A>C on transcript NM_007294.4 (MANE Select); coding-DNA position 29, A replaced by C.
Protein change: p.Glu10Ala; replaces glutamic acid 10 with alanine.
Molecular consequence: missense variant. On other transcripts: 5 prime UTR variant (1), non-coding transcript variant (1).
Genome position (GRCh38, 1-based): chr17:43,124,068, T>G on the plus strand (A>C on the coding strand, the complement: BRCA1 is on the minus strand). VCF-style: chr17-43124068-T-G. GRCh37 (hg19) VCF-style: chr17-41276085-T-G.
Other names: c.-160A>C (NM_001407906.1, NM_001407907.1, NM_001407908.1 and 46 more transcripts); c.-279A>C (NM_001407917.1, NM_001407954.1, NM_001408513.1); c.29A>C, p.Glu10Ala (NM_001407919.1, NM_001407937.1, NM_001407938.1 and 193 more transcripts); c.-258A>C (NM_001407920.1, NM_001407697.1, NM_001407846.1); c.-232A>C (NM_001407921.1, NM_001407923.1, NM_001407927.1 and 22 more transcripts); c.-59A>C (NM_001407924.1, NM_001407925.1, NM_001407928.1 and 23 more transcripts); c.-229A>C (NM_001407930.1, NM_001407942.1, NM_001408455.1 and 11 more transcripts); c.-236A>C (NM_001407934.1, NM_001408497.1, NM_001407741.1); and 8 more; short protein forms E10A.
Identifiers: ClinVar variation 869083 (VCV000869083.3), dbSNP rs2055737507, ClinGen allele CA10602104.

Conditions:
Breast-ovarian cancer, familial, susceptibility to, 1 (BROVCA1). Also called: BRCA1 Hereditary Breast and Ovarian Cancer; OVARIAN CANCER, SUSCEPTIBILITY TO. Identifiers: Orphanet 145, MedGen C2676676, MONDO:0011450, OMIM 604370. Disease mechanism: loss of function.

Submission:

Brotman Baty Institute, University of Washington
No classification provided (evidence only). Condition: Breast-ovarian cancer, familial 1. Review status: no classification provided. Collection method: in vitro. Allele origin: not applicable. Functional consequence: functionally_normal.
ClinVar note: "not provided" was previously submitted as the classification for the variant. However, the classification appeared to be based only on an observation of functional data so it was converted to no classification on 2025-07-30.